The following is an entry in ClinVar:

NM_001232.4(CASQ2):c.1060A>C (p.Thr354Pro)

Gene: CASQ2 (calsequestrin 2; minus strand). Cytogenetic location: 1p13.1.
Variant type: single nucleotide variant.
Coding change: c.1060A>C on transcript NM_001232.4 (MANE Select); coding-DNA position 1060, A replaced by C.
Protein change: p.Thr354Pro; replaces threonine 354 with proline.
Molecular consequence: missense variant.
Genome position (GRCh38, 1-based): chr1:115,701,381, T>G on the plus strand (A>C on the coding strand, the complement: CASQ2 is on the minus strand). VCF-style: chr1-115701381-T-G. GRCh37 (hg19) VCF-style: chr1-116244002-T-G.
Other names: short protein forms T354P.
Identifiers: ClinVar variation 4755151 (VCV004755151.1).

ClinVar aggregate classification (germline): Uncertain significance (1 of 4 stars; one submission).

Conditions:
Catecholaminergic polymorphic ventricular tachycardia 1. Also called: RYR2-Related Catecholaminergic Polymorphic Ventricular Tachycardia; VENTRICULAR TACHYCARDIA, STRESS-INDUCED POLYMORPHIC 1; VENTRICULAR TACHYCARDIA, CATECHOLAMINERGIC POLYMORPHIC, 1, WITH OR WITHOUT ATRIAL DYSFUNCTION AND/OR DILATED CARDIOMYOPATHY. Identifiers: Orphanet 3286, MedGen C1631597, MONDO:0011484, OMIM 604772.

gnomAD v4.1: 1 of 1,613,888 alleles (0.000062%); highest among the groups gnomAD compares: African/African-American, 0.0013%; no homozygotes.

Submission:

Labcorp Genetics (formerly Invitae), Labcorp
Classification: Uncertain significance for Catecholaminergic polymorphic ventricular tachycardia 1. Last evaluated: 2025-02-27. Review status: criteria provided, single submitter. Criteria: Invitae Variant Classification Sherloc (09022015). Collection method: clinical testing. Allele origin: germline.
Comment: This sequence change replaces threonine, which is neutral and polar, with proline, which is neutral and non-polar, at codon 354 of the CASQ2 protein (p.Thr354Pro). This variant is not present in population databases (gnomAD no frequency). This variant has not been reported in the literature in individuals affected with CASQ2-related conditions. Invitae Evidence Modeling of protein sequence and biophysical properties (such as structural, functional, and spatial information, amino acid conservation, physicochemical variation, residue mobility, and thermodynamic stability) has been performed for this missense variant. However, the output from this modeling did not meet the statistical confidence thresholds required to predict the impact of this variant on CASQ2 protein function. In summary, the available evidence is currently insufficient to determine the role of this variant in disease. Therefore, it has been classified as a Variant of Uncertain Significance.